The following is an entry in ClinVar:

ClinVar aggregate classification (germline): Uncertain significance (1 of 4 stars; one submission).

Allele frequency attached by ClinVar (database versions not stated): gnomAD exomes below 0.00001; TOPMed below 0.00001; ExAC 0.00001.
gnomAD v4.1: 1 of 1,614,124 alleles (0.000062%); highest among the groups gnomAD compares: Admixed American, 0.0017%; no homozygotes.

Submission:

Labcorp Genetics (formerly Invitae), Labcorp
Classification: Uncertain significance. Last evaluated: 2024-12-02. Review status: criteria provided, single submitter. Criteria: Invitae Variant Classification Sherloc (09022015). Collection method: clinical testing. Allele origin: germline.
Comment: This sequence change replaces alanine, which is neutral and non-polar, with proline, which is neutral and non-polar, at codon 92 of the RNF168 protein (p.Ala92Pro). This variant is present in population databases (rs773636371, gnomAD 0.003%). This variant has not been reported in the literature in individuals affected with RNF168-related conditions. ClinVar contains an entry for this variant (Variation ID: 1509752). An algorithm developed to predict the effect of missense changes on protein structure and function (PolyPhen-2) suggests that this variant is likely to be tolerated. In summary, the available evidence is currently insufficient to determine the role of this variant in disease. Therefore, it has been classified as a Variant of Uncertain Significance.

NM_152617.4(RNF168):c.274G>C (p.Ala92Pro)

Gene: RNF168 (ring finger protein 168; minus strand). Cytogenetic location: 3q29.
Variant type: single nucleotide variant.
Coding change: c.274G>C on transcript NM_152617.4 (MANE Select); coding-DNA position 274, G replaced by C.
Protein change: p.Ala92Pro; replaces alanine 92 with proline.
Molecular consequence: missense variant.
Genome position (GRCh38, 1-based): chr3:196,502,900, C>G on the plus strand (G>C on the coding strand, the complement: RNF168 is on the minus strand). VCF-style: chr3-196502900-C-G. GRCh37 (hg19) VCF-style: chr3-196229771-C-G.
Other names: short protein forms A92P.
Identifiers: ClinVar variation 1509752 (VCV001509752.8), dbSNP rs773636371, ClinGen allele CA2781011.